The following is an entry in ClinVar:

ClinVar aggregate classification (germline): Pathogenic (1 of 4 stars; one submission).

Conditions:
Neurodevelopmental disorder with microcephaly, epilepsy, and hypomyelination. Identifiers: Orphanet 597874, MedGen C5193057, MONDO:0032705, OMIM 618367.

Submission:

Palindrome, Gene Kavoshgaran Aria
Classification: Pathogenic for Neurodevelopmental disorder with microcephaly, epilepsy, and hypomyelination. Last evaluated: 2021-09-09. Review status: criteria provided, single submitter. Criteria: ACMG Guidelines, 2015. Collection method: clinical testing. Allele origin: germline. Inheritance: Autosomal recessive inheritance. Affected: yes. Observed: 1 homozygote.

NM_006441.4(MTHFS):c.316A>T (p.Lys106Ter)

Genes: MTHFS (methenyltetrahydrofolate synthetase; minus strand), ST20-MTHFS (ST20-MTHFS readthrough; minus strand). Cytogenetic location: 15q25.1.
Variant type: single nucleotide variant.
Coding change: c.316A>T on transcript NM_006441.4 (MANE Select); coding-DNA position 316, A replaced by T.
Protein change: p.Lys106Ter; replaces lysine 106 with a stop codon.
Molecular consequence: nonsense. On other transcripts: non-coding transcript variant (1).
Genome position (GRCh38, 1-based): chr15:79,889,156, T>A on the plus strand (A>T on the coding strand, the complement: MTHFS is on the minus strand). VCF-style: chr15-79889156-T-A. GRCh37 (hg19) VCF-style: chr15-80181498-T-A.
Other names: c.244A>T, p.Lys82Ter (NM_001199760.2); c.145A>T, p.Lys49Ter (NM_001199758.1); short protein forms K106*, K49*, K82*.
Identifiers: ClinVar variation 1344538 (VCV001344538.3), dbSNP rs772187163, ClinGen allele CA393609498.